The following is an entry in ClinVar:

NM_000091.5(COL4A3):c.989G>C (p.Gly330Ala)

Genes: COL4A3 (collagen type IV alpha 3 chain; plus strand), MFF-DT (MFF divergent transcript; minus strand). Cytogenetic location: 2q36.3.
Variant type: single nucleotide variant.
Coding change: c.989G>C on transcript NM_000091.5 (MANE Select); coding-DNA position 989, G replaced by C.
Protein change: p.Gly330Ala; replaces glycine 330 with alanine.
Molecular consequence: missense variant.
Genome position (GRCh38, 1-based): chr2:227,257,604, G>C. VCF-style: chr2-227257604-G-C. GRCh37 (hg19) VCF-style: chr2-228122320-G-C.
Other names: short protein forms G330A.
Identifiers: ClinVar variation 4817283 (VCV004817283.1).

ClinVar aggregate classification (germline): Likely pathogenic (1 of 4 stars; one submission).

Conditions:
Alport syndrome. Also called: Hemorrhagic familial nephritis; Hemorrhagic hereditary nephritis; Congenital hereditary hematuria. Identifiers: Orphanet 63, MedGen C1567741, MONDO:0018965.

Submission:

Natera, Inc.
Classification: Likely pathogenic for Alport syndrome. Last evaluated: 2026-01-21. Review status: criteria provided, single submitter. Criteria: Natera Variant Classification Schema (03/2026). Collection method: clinical testing. Allele origin: germline.
Comment: The c.989G>C variant in COL4A3 is a missense variant predicted to cause substitution of glycine to alanine at amino acid 330. This variant is rare in the general population with a frequency below the threshold expected for the associated phenotype(s). This variant is located in a functionally critical region of the protein. Computational prediction algorithms indicate this variant is likely to affect gene or protein function. Given the available evidence, this variant is classified as Likely Pathogenic.